The following is an entry in ClinVar:

NM_002878.4(RAD51D):c.263+1507_263+1509del

Genes: RAD51D (RAD51 paralog D; minus strand), RAD51L3-RFFL (RAD51L3-RFFL readthrough; minus strand). Cytogenetic location: 17q12.
Variant type: Deletion.
Coding change: c.263+1507_263+1509del on transcript NM_002878.4 (MANE Select); bases 1507 to 1509 of the intron after coding-DNA position 263, 3 bases deleted (TGC; older notation c.263+1507_263+1509delTGC).
Molecular consequence: intron variant. On other transcripts: inframe deletion (1).
Genome position (GRCh38, 1-based): chr17:35,116,992-35,116,994, GCA deleted on the plus strand (TGC on the coding strand, the reverse complement: RAD51D is on the minus strand); deleting any 3 consecutive bases within chr17:35,116,992-35,116,996 gives the same sequence; the c. name uses the placement nearest the transcript's 3' end. VCF-style (leftmost placement, unchanged base first): chr17-35116991-GGCA-G. GRCh37 (hg19) VCF-style: chr17-33444010-GGCA-G.
Other names: c.188_190delTGC (NM_001142571.1); c.188_190del, p.Leu63del (NM_001142571.2); c.144+2117_144+2119del (NM_133629.3); c.263+1507_263+1509delTGC (NM_002878.3); short protein forms L63del.
Identifiers: ClinVar variation 548777 (VCV000548777.5), dbSNP rs753760360, ClinGen allele CA8499591.

ClinVar aggregate classification (germline): Likely benign. Review status: criteria provided, multiple submitters, no conflicts (2 of 4 stars). 4 submissions from 4 submitters: Likely benign (3). 1 of the submissions does not count toward it. Last evaluated 2026-09-10.

Conditions:
RAD51D-related disorder. Also called: RAD51D-related condition.
Breast-ovarian cancer, familial, susceptibility to, 4. Identifiers: Orphanet 145, MedGen C3280345, MONDO:0013669, OMIM 614291.

Submissions (4):

PreventionGenetics, part of Exact Sciences
Classification: Likely benign for RAD51D-related condition. Last evaluated: 2026-09-10. Review status: criteria provided, single submitter. Criteria: ACMG Guidelines, 2015. Collection method: clinical testing. Allele origin: germline.
Comment: This variant is classified as likely benign based on ACMG/AMP sequence variant interpretation guidelines (Richards et al. 2015 PMID: 25741868, with internal and published modifications).

ARUP Laboratories, Molecular Genetics and Genomics, ARUP Laboratories
Classification: Likely benign for Breast-ovarian cancer, familial, susceptibility to, 4. Last evaluated: 2025-05-02. Review status: criteria provided, single submitter. Criteria: ARUP Molecular Germline Variant Investigation Process 2024. Collection method: clinical testing. Allele origin: germline.

Blueprint Genetics
Classification: Likely benign. Last evaluated: 2024-10-01. Review status: criteria provided, single submitter. Criteria: ACMG Guidelines, 2015. Collection method: clinical testing. Allele origin: germline.

Counsyl
Classification: Likely benign for Breast-ovarian cancer, familial, susceptibility to, 4. Last evaluated: 2017-08-23. Review status: no assertion criteria provided. Collection method: clinical testing. Allele origin: unknown. Not counted in ClinVar's aggregate classification.